The following is an entry in ClinVar:

ClinVar aggregate classification (germline): Uncertain significance. Review status: criteria provided, multiple submitters, no conflicts (2 of 4 stars). 2 submissions from 2 submitters: Uncertain significance (2). Last evaluated 2024-03-19.

Conditions:
Inborn genetic diseases. Identifiers: MedGen C0950123, MeSH D030342.
Severe myoclonic epilepsy in infancy (DRVT). Also called: Dravet syndrome; Epileptic encephalopathy, early infantile, 6 (Dravet syndrome); SEVERE MYOCLONIC EPILEPSY OF INFANCY; DEVELOPMENTAL AND EPILEPTIC ENCEPHALOPATHY 6A; Severe Myoclonic Epilepsy in Infancy (SMEI). Identifiers: Orphanet 33069, MedGen C0751122, MONDO:0100135, OMIM 607208.

Allele frequency attached by ClinVar (database versions not stated): gnomAD exomes below 0.00001 and 0.00001; ExAC 0.00001; gnomAD 0.00005 and 0.00006; TOPMed 0.00006; ESP Exome Variant Server 0.00023.
gnomAD v4.1: 12 of 1,598,514 alleles (0.00075%); highest among the groups gnomAD compares: African/African-American, 0.016%; no homozygotes.

Submissions (2):

Ambry Genetics
Classification: Uncertain significance for Inborn genetic diseases. Last evaluated: 2024-03-19. Review status: criteria provided, single submitter. Criteria: Ambry Variant Classification Scheme 2023. Collection method: clinical testing. Allele origin: germline.

Labcorp Genetics (formerly Invitae), Labcorp
Classification: Uncertain significance for Severe myoclonic epilepsy in infancy. Last evaluated: 2023-10-03. Review status: criteria provided, single submitter. Criteria: Invitae Variant Classification Sherloc (09022015). Collection method: clinical testing. Allele origin: germline.
Comment: This sequence change replaces alanine, which is neutral and non-polar, with valine, which is neutral and non-polar, at codon 305 of the SNX27 protein (p.Ala305Val). This variant is present in population databases (rs151014791, gnomAD 0.02%). This variant has not been reported in the literature in individuals affected with SNX27-related conditions. ClinVar contains an entry for this variant (Variation ID: 952622). An algorithm developed to predict the effect of missense changes on protein structure and function (PolyPhen-2) suggests that this variant¬†is likely to be tolerated. In summary, the available evidence is currently insufficient to determine the role of this variant in disease. Therefore, it has been classified as a Variant of Uncertain Significance.

NM_001330723.2(SNX27):c.914C>T (p.Ala305Val)

Gene: SNX27 (sorting nexin 27; plus strand). Cytogenetic location: 1q21.3.
Variant type: single nucleotide variant.
Coding change: c.914C>T on transcript NM_001330723.2 (MANE Select); coding-DNA position 914, C replaced by T.
Protein change: p.Ala305Val; replaces alanine 305 with valine.
Molecular consequence: missense variant.
Genome position (GRCh38, 1-based): chr1:151,665,940, C>T. VCF-style: chr1-151665940-C-T. GRCh37 (hg19) VCF-style: chr1-151638416-C-T.
Other names: c.914C>T, p.Ala305Val (NM_030918.6); short protein forms A305V.
Identifiers: ClinVar variation 952622 (VCV000952622.9), dbSNP rs151014791, ClinGen allele CA1093544.